The following is an entry in ClinVar:

ClinVar aggregate classification (germline): Uncertain significance (1 of 4 stars; one submission).

Conditions:
Pierpont syndrome (PRPTS). Identifiers: Orphanet 487825, MedGen C1865644, MONDO:0011213, OMIM 602342.

Submission:

Labcorp Genetics (formerly Invitae), Labcorp
Classification: Uncertain significance for Pierpont syndrome. Last evaluated: 2022-08-23. Review status: criteria provided, single submitter. Criteria: Invitae Variant Classification Sherloc (09022015). Collection method: clinical testing. Allele origin: germline.
Comment: This sequence change replaces aspartic acid, which is acidic and polar, with tyrosine, which is neutral and polar, at codon 69 of the TBL1XR1 protein (p.Asp69Tyr). This variant is not present in population databases (gnomAD no frequency). This variant has not been reported in the literature in individuals affected with TBL1XR1-related conditions. ClinVar contains an entry for this variant (Variation ID: 1360758). Algorithms developed to predict the effect of missense changes on protein structure and function are either unavailable or do not agree on the potential impact of this missense change (SIFT: "Deleterious"; PolyPhen-2: "Probably Damaging"; Align-GVGD: "Class C15"). Algorithms developed to predict the effect of sequence changes on RNA splicing suggest that this variant may create or strengthen a splice site. In summary, the available evidence is currently insufficient to determine the role of this variant in disease. Therefore, it has been classified as a Variant of Uncertain Significance.

NM_024665.7(TBL1XR1):c.205G>T (p.Asp69Tyr)

Gene: TBL1XR1 (TBL1X/Y related 1; minus strand). Cytogenetic location: 3q26.32.
Variant type: single nucleotide variant.
Coding change: c.205G>T on transcript NM_024665.7 (MANE Select); coding-DNA position 205, G replaced by T.
Protein change: p.Asp69Tyr; replaces aspartic acid 69 with tyrosine.
Molecular consequence: missense variant. On other transcripts: 5 prime UTR variant (2).
Genome position (GRCh38, 1-based): chr3:177,051,726, C>A on the plus strand (G>T on the coding strand, the complement: TBL1XR1 is on the minus strand). VCF-style: chr3-177051726-C-A. GRCh37 (hg19) VCF-style: chr3-176769514-C-A.
Other names: c.205G>T, p.Asp69Tyr (NM_001321193.3, NM_001321194.3, NM_001374327.1 and 2 more transcripts); c.-57G>T (NM_001321195.3, NM_001374330.1); short protein forms D69Y.
Identifiers: ClinVar variation 1360758 (VCV001360758.8), dbSNP rs2108497431, ClinGen allele CA355553509.